The following is an entry in ClinVar:

ClinVar aggregate classification (germline): Pathogenic (1 of 4 stars; one submission).

Conditions:
Congenital heart defects, dysmorphic facial features, and intellectual developmental disorder (CHDFIDD). Identifiers: Orphanet 646278, MedGen C4479246, MONDO:0044302, OMIM 617360.

Submission:

Medical Genetics Clinic, University of Catania
Classification: Pathogenic for Congenital heart defects, dysmorphic facial features, and intellectual developmental disorder. Last evaluated: 2026-02-17. Review status: criteria provided, single submitter. Criteria: ACMG Guidelines, 2015. Collection method: clinical testing. Allele origin: de novo. Inheritance: Autosomal dominant inheritance. Affected: yes.
Comment: The c.2509G>A variant is located in exon 6 of the CDK13 gene and it causes the substitution of an Aspartic acid residue, which is negative and polar, with an Asparagine residue, which is neutral and polar, at position 837 (p.Asp837Asn). The variant is reported in the population database (rs1357720578, gnomAD-) but is not described in the scientific literature. In silico prediction algorithms suggest a deleterious effect of the variant on the structure and/or function of the encoded protein (PolyPhen: probably damaging, MutationTaster: disease causing). In the light of the above, the c.2509G>A variant in the CDK13 gene has been classified as a Pathogenic variant.

NM_003718.5(CDK13):c.2509G>A (p.Asp837Asn)

Gene: CDK13 (cyclin dependent kinase 13; plus strand). Cytogenetic location: 7p14.1.
Variant type: single nucleotide variant.
Coding change: c.2509G>A on transcript NM_003718.5 (MANE Select); coding-DNA position 2509, G replaced by A.
Protein change: p.Asp837Asn; replaces aspartic acid 837 with asparagine.
Molecular consequence: missense variant.
Genome position (GRCh38, 1-based): chr7:40,045,991, G>A. VCF-style: chr7-40045991-G-A. GRCh37 (hg19) VCF-style: chr7-40085590-G-A.
Other names: p.Asp837Asn; c.2509G>A, p.Asp837Asn (NM_031267.4); short protein forms D837N.
Identifiers: ClinVar variation 4813278 (VCV004813278.1).